The following is an entry in ClinVar:

NM_001164508.2(NEB):c.3373G>T (p.Glu1125Ter)

Gene: NEB (nebulin; minus strand). Cytogenetic location: 2q23.3.
Variant type: single nucleotide variant.
Coding change: c.3373G>T on transcript NM_001164508.2 (MANE Select); coding-DNA position 3373, G replaced by T.
Protein change: p.Glu1125Ter; replaces glutamic acid 1125 with a stop codon.
Molecular consequence: nonsense.
Genome position (GRCh38, 1-based): chr2:151,678,070, C>A on the plus strand (G>T on the coding strand, the complement: NEB is on the minus strand). VCF-style: chr2-151678070-C-A. GRCh37 (hg19) VCF-style: chr2-152534584-C-A.
Other names: c.3373G>T, p.Glu1125Ter (NM_001164507.2, NM_001271208.2, NM_004543.5); short protein forms E1125*.
Identifiers: ClinVar variation 2095765 (VCV002095765.4), dbSNP rs757784515, ClinGen allele CA348819261.

ClinVar aggregate classification (germline): Pathogenic (1 of 4 stars; one submission).

Conditions:
Nemaline myopathy 2 (NEM2). Also called: Nemaline myopathy 2, autosomal recessive. Identifiers: MedGen C1850569, MONDO:0009725, OMIM 256030.

Submission:

Labcorp Genetics (formerly Invitae), Labcorp
Classification: Pathogenic for Nemaline myopathy 2. Last evaluated: 2022-02-09. Review status: criteria provided, single submitter. Criteria: Invitae Variant Classification Sherloc (09022015). Collection method: clinical testing. Allele origin: germline.
Comment: For these reasons, this variant has been classified as Pathogenic. Algorithms developed to predict the effect of sequence changes on RNA splicing suggest that this variant may create or strengthen a splice site. This variant has not been reported in the literature in individuals affected with NEB-related conditions. This variant is not present in population databases (gnomAD no frequency). This sequence change creates a premature translational stop signal (p.Glu1125*) in the NEB gene. It is expected to result in an absent or disrupted protein product. Loss-of-function variants in NEB are known to be pathogenic (PMID: 25205138).

Literature cited by the submitters: PubMed 25205138.